The following is an entry in ClinVar:

ClinVar aggregate classification (germline): Benign (1 of 4 stars; one submission).

Allele frequency attached by ClinVar (database versions not stated): 1000 Genomes Project 0.27236; 1000 Genomes Project 30x 0.27701; TOPMed 0.35881; gnomAD 0.35891 and 0.36586.
gnomAD v4.1: 53,074 of 147,560 alleles (36%); highest among the groups gnomAD compares: African/African-American, 41%; 10,015 homozygotes.

Submission:

GeneDx
Classification: Benign. Last evaluated: 2018-06-19. Review status: criteria provided, single submitter. Criteria: GeneDx Variant Classification (06012015). Collection method: clinical testing. Allele origin: germline. Affected: yes.
Comment: This variant is considered likely benign or benign based on one or more of the following criteria: it is a conservative change, it occurs at a poorly conserved position in the protein, it is predicted to be benign by multiple in silico algorithms, and/or has population frequency not consistent with disease.

NM_024809.5(TCTN2):c.1099+268C>T

Gene: TCTN2 (tectonic family member 2; plus strand). Cytogenetic location: 12q24.31.
Variant type: single nucleotide variant.
Coding change: c.1099+268C>T on transcript NM_024809.5 (MANE Select); 268 bases into the intron after coding-DNA position 1099, C replaced by T.
Molecular consequence: intron variant.
Genome position (GRCh38, 1-based): chr12:123,692,991, C>T. VCF-style: chr12-123692991-C-T. GRCh37 (hg19) VCF-style: chr12-124177538-C-T.
Other names: c.1096+268C>T (NM_001143850.3).
Identifiers: ClinVar variation 671926 (VCV000671926.1), dbSNP rs7304837, ClinGen allele CA13605562.
Genomic context (GRCh38, chr12:123,692,991, plus strand): 5'-CACAGTCCTGGATTCTCTGAGTTCCACCGACCCTTCTAGTTCCAGCTTCCGTGAACCTTT[C>T]CTTAAATGTTTGATAGTTAAATAATTCTTTTTTTTTTTTTTTTTTTTTTTTTGAGGCGGA-3'